The following is an entry in ClinVar:

NM_021098.3(CACNA1H):c.2565C>G (p.Asn855Lys)

Gene: CACNA1H (calcium voltage-gated channel subunit alpha1 H; plus strand). Cytogenetic location: 16p13.3.
Variant type: single nucleotide variant.
Coding change: c.2565C>G on transcript NM_021098.3 (MANE Select); coding-DNA position 2565, C replaced by G.
Protein change: p.Asn855Lys; replaces asparagine 855 with lysine.
Molecular consequence: missense variant.
Genome position (GRCh38, 1-based): chr16:1,205,227, C>G. VCF-style: chr16-1205227-C-G. GRCh37 (hg19) VCF-style: chr16-1255227-C-G.
Other names: c.2565C>G, p.Asn855Lys (NM_001005407.2); short protein forms N855K.
Identifiers: ClinVar variation 1486186 (VCV001486186.8), dbSNP rs2141289290, ClinGen allele CA394167580.
Genomic context (GRCh38, chr16:1,205,227, plus strand): 5'-GTTTGCCCTGGAGATGCTGCTGAAGCTGCTGGCCTGCGGCCCTCTGGGCTACATCCGGAA[C>G]CCGTACAACATCTTCGACGGCATCATCGTGGTCATCAGGTGGGTCCCCACCCTCTCCCCA-3'
Protein context (NP_066921.2, residues 845-865): LACGPLGYIR[Asn855Lys]PYNIFDGIIV

ClinVar aggregate classification (germline): Uncertain significance (1 of 4 stars; one submission).

Conditions:
Idiopathic generalized epilepsy. Also called: Generalised epilepsy; EIG. Identifiers: MedGen C0270850, MONDO:0005579, OMIM 600669.
Hyperaldosteronism, familial, type IV (HALD4). Also called: FH IV; ALDOSTERONISM, PRIMARY, AND HYPERTENSION. Identifiers: Orphanet 642671, MedGen C4310756, MONDO:0014875, OMIM 617027.

Allele frequency attached by ClinVar (database versions not stated): gnomAD exomes below 0.00001.
gnomAD v4.1: 2 of 1,612,662 alleles (0.00012%); highest among the groups gnomAD compares: Non-Finnish European, 0.00017%; no homozygotes.

Submission:

Labcorp Genetics (formerly Invitae), Labcorp
Classification: Uncertain significance for Idiopathic generalized epilepsy; Hyperaldosteronism, familial, type IV. Last evaluated: 2022-01-14. Review status: criteria provided, single submitter. Criteria: Invitae Variant Classification Sherloc (09022015). Collection method: clinical testing. Allele origin: germline.
Comment: This sequence change replaces asparagine, which is neutral and polar, with lysine, which is basic and polar, at codon 855 of the CACNA1H protein (p.Asn855Lys). In summary, the available evidence is currently insufficient to determine the role of this variant in disease. Therefore, it has been classified as a Variant of Uncertain Significance. Advanced modeling of protein sequence and biophysical properties (such as structural, functional, and spatial information, amino acid conservation, physicochemical variation, residue mobility, and thermodynamic stability) performed at Invitae indicates that this missense variant is not expected to disrupt CACNA1H protein function. This variant has not been reported in the literature in individuals affected with CACNA1H-related conditions. This variant is not present in population databases (gnomAD no frequency).